The following is an entry in ClinVar:

NM_001003800.2(BICD2):c.761A>G (p.Lys254Arg)

Gene: BICD2 (BICD cargo adaptor 2; minus strand). Cytogenetic location: 9q22.31.
Variant type: single nucleotide variant.
Coding change: c.761A>G on transcript NM_001003800.2 (MANE Select); coding-DNA position 761, A replaced by G.
Protein change: p.Lys254Arg; replaces lysine 254 with arginine.
Molecular consequence: missense variant.
Genome position (GRCh38, 1-based): chr9:92,720,601, T>C on the plus strand (A>G on the coding strand, the complement: BICD2 is on the minus strand). VCF-style: chr9-92720601-T-C. GRCh37 (hg19) VCF-style: chr9-95482883-T-C.
Other names: c.761A>G, p.Lys254Arg (NM_015250.4); short protein forms K254R.
Identifiers: ClinVar variation 424684 (VCV000424684.11), dbSNP rs1367809298, ClinGen allele CA374043641.

ClinVar aggregate classification (germline): Conflicting classifications of pathogenicity. Review status: criteria provided, conflicting classifications (1 of 4 stars). 3 submissions from 3 submitters: Uncertain significance (2); Likely benign (1). Last evaluated 2025-07-08.

Conditions:
Hereditary spastic paraplegia. Also called: Familial spastic paraparesis. Identifiers: Orphanet 685, MedGen C0037773, MONDO:0019064. Disease mechanism: loss of function.
Autosomal dominant childhood-onset proximal spinal muscular atrophy with contractures (SMALED2A). Also called: Spinal muscular atrophy, lower extremity-predominant, 2A, autosomal dominant; SPINAL MUSCULAR ATROPHY, LOWER EXTREMITY-PREDOMINANT, 2A, CHILDHOOD ONSET, AUTOSOMAL DOMINANT. Identifiers: Orphanet 363447, Orphanet 363454, MedGen C4747715, MONDO:0014121, OMIM 615290.

Allele frequency attached by ClinVar (database versions not stated): gnomAD exomes 0.00001 and below 0.00001; TOPMed 0.00002.

Submissions (3):

Dasa
Classification: Uncertain significance. Last evaluated: 2025-07-08. Review status: criteria provided, single submitter. Criteria: DASA Assertion Criteria. Collection method: clinical testing. Allele origin: germline.
Comment: NM_001003800.2(BICD2):c.761A>G (p.Lys254Arg) is a missense variant that results in the substitution of lysine with arginine. This variant is rare in population databases. The currently available literature and clinical evidence are not sufficient to establish a definitive association between this variant and the reported condition. Therefore, this variant is classified as a variant of uncertain significance.

Labcorp Genetics (formerly Invitae), Labcorp
Classification: Likely benign for Autosomal dominant childhood-onset proximal spinal muscular atrophy with contractures. Last evaluated: 2025-06-13. Review status: criteria provided, single submitter. Criteria: Invitae Variant Classification Sherloc (09022015). Collection method: clinical testing. Allele origin: germline.

Unit for Genetic & Epidemiological Research on Neurological Disorders, Instituto de Investigação e Inovação em Saúde
Classification: Uncertain significance for Hereditary spastic paraplegia. Last evaluated: 2017-03-07. Review status: criteria provided, single submitter. Criteria: Morais et al. (Eur J Hum Genet. 2017). Collection method: research. Allele origin: unknown. Affected: yes.